The following is an entry in ClinVar:

NM_004456.5(EZH2):c.1200AGA[3] (p.Glu404del)

Gene: EZH2 (enhancer of zeste 2 polycomb repressive complex 2 subunit; minus strand). Cytogenetic location: 7q36.1.
Variant type: Microsatellite.
Coding change: c.1200AGA[3] on transcript NM_004456.5 (MANE Select); three copies in a row of the 3-base unit AGA starting at c.1200; the reference has four copies in a row; one copy, 3 bases deleted.
Protein change: p.Glu404del; deletes glutamic acid 404.
Molecular consequence: inframe deletion.
Genome position (GRCh38, 1-based): chr7:148,817,906-148,817,908, TCT deleted on the plus strand (AGA on the coding strand, the reverse complement: EZH2 is on the minus strand); deleting any 3 consecutive bases within chr7:148,817,906-148,817,918 gives the same sequence; the position shown is the placement nearest the transcript's 3' end. VCF-style (leftmost placement, unchanged base first): chr7-148817905-CTCT-C. GRCh37 (hg19) VCF-style: chr7-148514997-CTCT-C.
Other names: c.1185AGA[3], p.Glu399del (NM_001203247.2); c.1158AGA[3], p.Glu390del (NM_001203248.2, NM_001203249.2); c.1068AGA[3], p.Glu360del (NM_152998.3); short protein forms E360del, E390del, E399del, E404del.
Identifiers: ClinVar variation 1319103 (VCV001319103.13), dbSNP rs775039041, ClinGen allele CA4547948.

ClinVar aggregate classification (germline): Uncertain significance. Review status: criteria provided, multiple submitters, no conflicts (2 of 4 stars). 3 submissions from 3 submitters: Uncertain significance (3). Last evaluated 2025-03-09.

Conditions:
Weaver syndrome (WVS). Also called: Weaver Smith syndrome; Overgrowth syndrome with accelerated skeletal maturation, unusual facies, and camptodactyly. Identifiers: Orphanet 3447, MedGen C0265210, MONDO:0010193, OMIM 277590.

Submissions (3):

Labcorp Genetics (formerly Invitae), Labcorp
Classification: Uncertain significance for Weaver syndrome. Last evaluated: 2025-03-09. Review status: criteria provided, single submitter. Criteria: Invitae Variant Classification Sherloc (09022015). Collection method: clinical testing. Allele origin: germline.
Comment: This variant, c.1209_1211del, results in the deletion of 1 amino acid(s) of the EZH2 protein (p.Glu404del), but otherwise preserves the integrity of the reading frame. This variant is present in population databases (rs775039041, gnomAD 0.003%). This variant has not been reported in the literature in individuals affected with EZH2-related conditions. ClinVar contains an entry for this variant (Variation ID: 1319103). Experimental studies and prediction algorithms are not available or were not evaluated, and the functional significance of this variant is currently unknown. In summary, the available evidence is currently insufficient to determine the role of this variant in disease. Therefore, it has been classified as a Variant of Uncertain Significance.

Institute for Clinical Genetics, University Hospital TU Dresden, University Hospital TU Dresden
Classification: Uncertain significance. Last evaluated: 2021-11-03. Review status: criteria provided, single submitter. Criteria: ACMG Guidelines, 2015. Collection method: clinical testing. Allele origin: germline.

Breakthrough Genomics
Classification: Uncertain significance. Review status: criteria provided, single submitter. Criteria: ACMG Guidelines, 2015. Collection method: not provided. Allele origin: germline. Inheritance: Autosomal recessive inheritance. Affected: yes.